The following is an entry in ClinVar:

ClinVar aggregate classification (germline): Uncertain significance (1 of 4 stars; one submission).

Submission:

Labcorp Genetics (formerly Invitae), Labcorp
Classification: Uncertain significance. Last evaluated: 2024-02-09. Review status: criteria provided, single submitter. Criteria: Invitae Variant Classification Sherloc (09022015). Collection method: clinical testing. Allele origin: germline.
Comment: This sequence change creates a premature translational stop signal (p.Val1410Glufs*25) in the HMCN1 gene. It is expected to result in an absent or disrupted protein product. However, the current clinical and genetic evidence is not sufficient to establish whether loss-of-function variants in HMCN1 cause disease. This variant is not present in population databases (gnomAD no frequency). This variant has not been reported in the literature in individuals affected with HMCN1-related conditions. In summary, the available evidence is currently insufficient to determine the role of this variant in disease. Therefore, it has been classified as a Variant of Uncertain Significance.

NM_031935.3(HMCN1):c.4229_4230del (p.Val1410fs)

Gene: HMCN1 (hemicentin 1; plus strand). Cytogenetic location: 1q31.1.
Variant type: Microsatellite.
Coding change: c.4229_4230del on transcript NM_031935.3 (MANE Select); coding-DNA positions 4229 to 4230, 2 bases deleted (TG; older notation c.4229_4230delTG).
Protein change: p.Val1410fs; shifts the reading frame from valine 1410.
Molecular consequence: frameshift variant.
Genome position (GRCh38, 1-based): chr1:186,001,622-186,001,623, TG deleted; deleting any 2 consecutive bases within chr1:186,001,620-186,001,623 gives the same sequence; the c. name uses the placement nearest the transcript's 3' end. VCF-style (leftmost placement, unchanged base first): chr1-186001619-CTG-C. GRCh37 (hg19) VCF-style: chr1-185970751-CTG-C.
Other names: short protein forms V1410fs.
Identifiers: ClinVar variation 2016589 (VCV002016589.4), dbSNP rs2527452897, ClinGen allele CA2580611518.